The following is an entry in ClinVar:

NM_015040.4(PIKFYVE):c.6060G>A (p.Leu2020=)

Gene: PIKFYVE (phosphoinositide kinase, FYVE-type zinc finger containing; plus strand). Cytogenetic location: 2q34.
Variant type: single nucleotide variant.
Coding change: c.6060G>A on transcript NM_015040.4 (MANE Select); coding-DNA position 6060, G replaced by A.
Protein change: p.Leu2020=; no amino-acid change (leucine 2020 retained).
Molecular consequence: synonymous variant.
Genome position (GRCh38, 1-based): chr2:208,354,113, G>A. VCF-style: chr2-208354113-G-A. GRCh37 (hg19) VCF-style: chr2-209218837-G-A.
Identifiers: ClinVar variation 896973 (VCV000896973.9), dbSNP rs146239645, ClinGen allele CA2080778.
Genomic context (GRCh38, chr2:208,354,113, plus strand): 5'-CTCGATCCATAGTGACTCCCATTTCCTTTCTAGCCACCTCATTATAGATTATTCTTTGCT[G>A]GTTGGGCGAGATGATACTAGCAATGAGCTAGTAGTTGGAATTATAGGTAAGTCAATGAGT-3'
Protein context (NP_055855.2, residues 2010-2030): SSHLIIDYSL[Leu2020=]VGRDDTSNEL

ClinVar aggregate classification (germline): Benign. Review status: criteria provided, multiple submitters, no conflicts (2 of 4 stars). 2 submissions from 2 submitters: Benign (2). Last evaluated 2025-03-05.

Conditions:
Fleck corneal dystrophy (CFD). Also called: CORNEAL DYSTROPHY, FRANCOIS-NEETENS SPECKLED OR FLECKED. Identifiers: Orphanet 98970, MedGen C1562113, MONDO:0007376, OMIM 121850.

Allele frequency attached by ClinVar (database versions not stated): gnomAD exomes 0.00018 and 0.00049; ExAC 0.00068; 1000 Genomes Project 30x 0.00156; 1000 Genomes Project 0.00160; ESP Exome Variant Server 0.00192; gnomAD 0.00207 and 0.00228; TOPMed 0.00229.
gnomAD v4.1: 590 of 1,613,870 alleles (0.037%); highest among the groups gnomAD compares: African/African-American, 0.7%; 3 homozygotes.

Submissions (3):

Labcorp Genetics (formerly Invitae), Labcorp
Classification: Benign. Last evaluated: 2025-03-05. Review status: criteria provided, single submitter. Criteria: Invitae Variant Classification Sherloc (09022015). Collection method: clinical testing. Allele origin: germline.

Illumina Laboratory Services, Illumina
Classification: Benign for Fleck corneal dystrophy. Last evaluated: 2018-01-13. Review status: criteria provided, single submitter. Criteria: ICSL Variant Classification Criteria 13 December 2019. Collection method: clinical testing. Allele origin: germline.
Comment: This variant was observed in the ICSL laboratory as part of a predisposition screen in an ostensibly healthy population. It had not been previously curated by ICSL or reported in the Human Gene Mutation Database (HGMD: prior to June 1st, 2018), and was therefore a candidate for classification through an automated scoring system. Utilizing variant allele frequency, disease prevalence and penetrance estimates, and inheritance mode, an automated score was calculated to assess if this variant is too frequent to cause the disease. Based on the score and internal cut-off values, a variant classified as benign is not then subjected to further curation. The score for this variant resulted in a classification of benign for this disease.

Dr. Peter K. Rogan Lab, Western University
No classification provided (evidence only). Condition: Hepatocellular carcinoma. Review status: no classification provided. Collection method: in vitro. Allele origin: not applicable. Functional consequence: retained intron. Not counted in ClinVar's aggregate classification.